The following is an entry in ClinVar:

NM_001946.4(DUSP6):c.279C>G (p.Asp93Glu)

Genes: DUSP6 (dual specificity phosphatase 6; minus strand), POC1B-DUSP6 (POC1B-DUSP6 readthrough; minus strand). Cytogenetic location: 12q21.33.
Variant type: single nucleotide variant.
Coding change: c.279C>G on transcript NM_001946.4 (MANE Select); coding-DNA position 279, C replaced by G.
Protein change: p.Asp93Glu; replaces aspartic acid 93 with glutamic acid.
Molecular consequence: missense variant.
Genome position (GRCh38, 1-based): chr12:89,351,761, G>C on the plus strand (C>G on the coding strand, the complement: DUSP6 is on the minus strand). VCF-style: chr12-89351761-G-C. GRCh37 (hg19) VCF-style: chr12-89745538-G-C.
Other names: c.279C>G, p.Asp93Glu (NM_022652.4); short protein forms D93E.
Identifiers: ClinVar variation 2260847 (VCV002260847.4), dbSNP rs370311640, ClinGen allele CA6714083.

ClinVar aggregate classification (germline): Uncertain significance. Review status: criteria provided, multiple submitters, no conflicts (2 of 4 stars). 2 submissions from 2 submitters: Uncertain significance (2). Last evaluated 2024-11-06.

Allele frequency attached by ClinVar (database versions not stated): gnomAD 0.00006; ExAC 0.00008; ESP Exome Variant Server 0.00008; gnomAD exomes 0.00008; TOPMed 0.00009.
gnomAD v4.1: 124 of 1,608,502 alleles (0.0077%); highest among the groups gnomAD compares: Middle Eastern, 0.082%; no homozygotes.

Submissions (2):

Labcorp Genetics (formerly Invitae), Labcorp
Classification: Uncertain significance. Last evaluated: 2024-11-06. Review status: criteria provided, single submitter. Criteria: Invitae Variant Classification Sherloc (09022015). Collection method: clinical testing. Allele origin: germline.
Comment: This sequence change replaces aspartic acid, which is acidic and polar, with glutamic acid, which is acidic and polar, at codon 93 of the DUSP6 protein (p.Asp93Glu). This variant is present in population databases (rs370311640, gnomAD 0.02%). This missense change has been observed in individual(s) with disorder of sex development (PMID: 36110220). ClinVar contains an entry for this variant (Variation ID: 2260847). Invitae Evidence Modeling of protein sequence and biophysical properties (such as structural, functional, and spatial information, amino acid conservation, physicochemical variation, residue mobility, and thermodynamic stability) indicates that this missense variant is not expected to disrupt DUSP6 protein function with a negative predictive value of 80%. In summary, the available evidence is currently insufficient to determine the role of this variant in disease. Therefore, it has been classified as a Variant of Uncertain Significance.

Ambry Genetics
Classification: Uncertain significance. Last evaluated: 2024-03-19. Review status: criteria provided, single submitter. Criteria: Ambry Variant Classification Scheme 2023. Collection method: clinical testing. Allele origin: germline.

Literature cited by the submitters: PubMed 36110220 (cited by Labcorp Genetics (formerly Invitae), Labcorp).